The following is an entry in ClinVar:

ClinVar aggregate classification (germline): Uncertain significance (1 of 4 stars; one submission).

Submission:

GeneDx
Classification: Uncertain significance. Last evaluated: 2023-05-14. Review status: criteria provided, single submitter. Criteria: GeneDx Variant Classification Process June 2021. Collection method: clinical testing. Allele origin: germline. Affected: yes.
Comment: Not observed at significant frequency in large population cohorts (gnomAD); In silico analysis supports that this missense variant does not alter protein structure/function; Has not been previously published as pathogenic or benign to our knowledge

NM_033310.3(KCNK4):c.473T>C (p.Leu158Ser)

Genes: KCNK4 (potassium two pore domain channel subfamily K member 4; plus strand), KCNK4-CATSPERZ (KCNK4-CATSPERZ readthrough (NMD candidate); plus strand). Cytogenetic location: 11q13.1.
Variant type: single nucleotide variant.
Coding change: c.473T>C on transcript NM_033310.3 (MANE Select); coding-DNA position 473, T replaced by C.
Protein change: p.Leu158Ser; replaces leucine 158 with serine.
Molecular consequence: missense variant. On other transcripts: non-coding transcript variant (3).
Genome position (GRCh38, 1-based): chr11:64,297,278, T>C. VCF-style: chr11-64297278-T-C. GRCh37 (hg19) VCF-style: chr11-64064750-T-C.
Other names: c.473T>C, p.Leu158Ser (NM_001317090.2, NM_033311.1); short protein forms L158S.
Identifiers: ClinVar variation 2662249 (VCV002662249.1), dbSNP rs2495688791, ClinGen allele CA381165187.
Genomic context (GRCh38, chr11:64,297,278, plus strand): 5'-TCGGGGACCGGCTGGGCTCCTCCCTGCGCCATGGCATCGGTCACATTGAAGCCATCTTCT[T>C]GGTGAGCTGCTCCATGCCCTGCCTGCCCTTGTGCTGGGCTCCGGCTACCCTTCCCCATGT-3'
Protein context (NP_201567.1, residues 148-168): HGIGHIEAIF[Leu158Ser]KWHVPPELVR